The following is an entry in ClinVar:

NM_198407.2(GHSR):c.*1728A>G

Gene: GHSR (growth hormone secretagogue receptor; minus strand). Cytogenetic location: 3q26.31.
Variant type: single nucleotide variant.
Coding change: c.*1728A>G on transcript NM_198407.2 (MANE Select); 1728 bases downstream of the stop codon, A replaced by G.
Molecular consequence: 3 prime UTR variant.
Genome position (GRCh38, 1-based): chr3:172,443,433, T>C on the plus strand (A>G on the coding strand, the complement: GHSR is on the minus strand). VCF-style: chr3-172443433-T-C. GRCh37 (hg19) VCF-style: chr3-172161223-T-C.
Identifiers: ClinVar variation 901805 (VCV000901805.4), dbSNP rs115001188, ClinGen allele CA87780147.
Genomic context (GRCh38, chr3:172,443,433, plus strand): 5'-TTTAGTGTCAGAACGAATCTCAGAAATATTTTTCTAGAGAAATGATTCTAATTATGATTG[T>C]GTTTGGATGTTTCCAAACTAAATAATCAATCGATTATTTCATCATGATTATCTTTCTTTT-3'

ClinVar aggregate classification (germline): Likely benign (1 of 4 stars; one submission).

Conditions:
Short stature due to growth hormone secretagogue receptor deficiency (GHDP). Also called: Short stature due to GHSR deficiency. Identifiers: Orphanet 314811, MedGen C5887324, MONDO:0014403, OMIM 615925.

Allele frequency attached by ClinVar (database versions not stated): 1000 Genomes Project 0.00280; 1000 Genomes Project 30x 0.00297; gnomAD 0.00354 and 0.00377; TOPMed 0.00382.
gnomAD v4.1: 531 of 152,338 alleles (0.35%); highest among the groups gnomAD compares: African/African-American, 1.2%; 7 homozygotes.

Submission:

Illumina Laboratory Services, Illumina
Classification: Likely benign for Short stature due to growth hormone secretagogue receptor deficiency. Last evaluated: 2018-01-13. Review status: criteria provided, single submitter. Criteria: ICSL Variant Classification Criteria 13 December 2019. Collection method: clinical testing. Allele origin: germline.
Comment: This variant was observed in the ICSL laboratory as part of a predisposition screen in an ostensibly healthy population. It had not been previously curated by ICSL or reported in the Human Gene Mutation Database (HGMD: prior to June 1st, 2018), and was therefore a candidate for classification through an automated scoring system. Utilizing variant allele frequency, disease prevalence and penetrance estimates, and inheritance mode, an automated score was calculated to assess if this variant is too frequent to cause the disease. Based on the score and internal cut-off values, a variant classified as likely benign is not then subjected to further curation. The score for this variant resulted in a classification of likely benign for this disease.